The following is an entry in ClinVar:

ClinVar aggregate classification (germline): Uncertain significance (1 of 4 stars; one submission).

Conditions:
Intellectual developmental disorder, autosomal dominant 6, with or without seizures. Also called: GRIN2B-related developmental delay, intellectual disability and autism spectrum disorder; Intellectual disability, autosomal dominant 6. Identifiers: Orphanet 589547, MedGen C3151411, MONDO:0013509, OMIM 613970.
Developmental and epileptic encephalopathy, 27 (DEE27). Also called: GRIN2B-Related Neurodevelopmental Disorder; Epileptic encephalopathy, early infantile, 27. Identifiers: Orphanet 3451, MedGen C4015316, MONDO:0014505, OMIM 616139.

Submission:

Labcorp Genetics (formerly Invitae), Labcorp
Classification: Uncertain significance for Developmental and epileptic encephalopathy, 27; Intellectual developmental disorder, autosomal dominant 6, with or without seizures. Last evaluated: 2022-08-12. Review status: criteria provided, single submitter. Criteria: Invitae Variant Classification Sherloc (09022015). Collection method: clinical testing. Allele origin: germline.
Comment: A copy number gain of the genomic region encompassing the full coding sequence of the GRIN2B gene has been identified. The boundaries of this event are unknown as they extend beyond the assayed region for this gene and therefore may encompass additional genes. As the precise location of this event is unknown, it may be in tandem or it may be located elsewhere in the genome. This variant has not been reported in the literature in individuals affected with GRIN2B-related conditions. In summary, the available evidence is currently insufficient to determine the role of this variant in disease. Therefore, it has been classified as a Variant of Uncertain Significance.

NC_000012.11:g.(?_13715717)_(14019142_?)dup

Gene: GRIN2B (glutamate ionotropic receptor NMDA type subunit 2B; minus strand). Cytogenetic location: 12p13.1.
Variant type: Duplication.
Identifiers: ClinVar variation 2423421 (VCV002423421.5).